The following is an entry in ClinVar:

ClinVar aggregate classification (germline): Pathogenic (1 of 4 stars; one submission).

Allele frequency attached by ClinVar (database versions not stated): gnomAD exomes 0.00001.

Submission:

Labcorp Genetics (formerly Invitae), Labcorp
Classification: Pathogenic. Last evaluated: 2023-05-22. Review status: criteria provided, single submitter. Criteria: Invitae Variant Classification Sherloc (09022015). Collection method: clinical testing. Allele origin: germline.
Comment: For these reasons, this variant has been classified as Pathogenic. ClinVar contains an entry for this variant (Variation ID: 1962655). This variant has not been reported in the literature in individuals affected with CDC45-related conditions. This variant is present in population databases (no rsID available, gnomAD 0.0009%). This sequence change creates a premature translational stop signal (p.Leu529Glufs*30) in the CDC45 gene. It is expected to result in an absent or disrupted protein product. Loss-of-function variants in CDC45 are known to be pathogenic (PMID: 27374770, 30986546).

Literature cited by the submitters: PubMed 27374770; PubMed 30986546.

NM_003504.5(CDC45):c.1489_1490del (p.Leu497fs)

Gene: CDC45 (cell division cycle 45; plus strand). Cytogenetic location: 22q11.21.
Variant type: Deletion.
Coding change: c.1489_1490del on transcript NM_003504.5 (MANE Select); coding-DNA positions 1489 to 1490, 2 bases deleted (CT; older notation c.1489_1490delCT).
Protein change: p.Leu497fs; shifts the reading frame from leucine 497.
Molecular consequence: frameshift variant. On other transcripts: non-coding transcript variant (1).
Genome position (GRCh38, 1-based): chr22:19,516,575-19,516,576, CT deleted. VCF-style (leftmost placement, unchanged base first): chr22-19516574-CCT-C. GRCh37 (hg19) VCF-style: chr22-19504097-CCT-C.
Other names: c.1585_1586del, p.Leu529fs (NM_001178010.2); c.1351_1352del, p.Leu451fs (NM_001178011.2); c.1453_1454del, p.Leu485fs (NM_001369291.1); short protein forms L451fs, L497fs, L529fs, L485fs.
Identifiers: ClinVar variation 1962655 (VCV001962655.5), dbSNP rs1444869565, ClinGen allele CA638504143.
Genomic context (GRCh38, chr22:19,516,574, plus strand): 5'-TCCGACTCCATAGACAAAGAACCGGCGCTGCAAACTGCTGCCCCTGGTGATGGCTGCCCC[CCT>C]GAGCATGGAGCATGGCACAGTGACCGTGGTGGGCATCCCCCCAGAGACCGACAGCTCGGA-3'